The following is an entry in ClinVar:

NM_004859.4(CLTC):c.3775G>A (p.Ala1259Thr)

Gene: CLTC (clathrin heavy chain; plus strand). Cytogenetic location: 17q23.1.
Variant type: single nucleotide variant.
Coding change: c.3775G>A on transcript NM_004859.4 (MANE Select); coding-DNA position 3775, G replaced by A.
Protein change: p.Ala1259Thr; replaces alanine 1259 with threonine.
Molecular consequence: missense variant.
Genome position (GRCh38, 1-based): chr17:59,682,916, G>A. VCF-style: chr17-59682916-G-A. GRCh37 (hg19) VCF-style: chr17-57760277-G-A.
Other names: c.3775G>A (NM_004859.3); c.3787G>A, p.Ala1263Thr (NM_001288653.2); short protein forms A1259T, A1263T.
Identifiers: ClinVar variation 2103388 (VCV002103388.5), dbSNP rs772988240, ClinGen allele CA8681656.

ClinVar aggregate classification (germline): Uncertain significance. Review status: criteria provided, multiple submitters, no conflicts (2 of 4 stars). 2 submissions from 2 submitters: Uncertain significance (2). Last evaluated 2024-09-20.

Conditions:
Inborn genetic diseases. Identifiers: MedGen C0950123, MeSH D030342.

Allele frequency attached by ClinVar (database versions not stated): gnomAD exomes below 0.00001; ExAC 0.00001.
gnomAD v4.1: 1 of 1,614,054 alleles (0.000062%); no homozygotes.

Submissions (2):

Ambry Genetics
Classification: Uncertain significance for Inborn genetic diseases. Last evaluated: 2024-09-20. Review status: criteria provided, single submitter. Criteria: Ambry Variant Classification Scheme 2023. Collection method: clinical testing. Allele origin: germline.

Labcorp Genetics (formerly Invitae), Labcorp
Classification: Uncertain significance. Last evaluated: 2022-02-25. Review status: criteria provided, single submitter. Criteria: Invitae Variant Classification Sherloc (09022015). Collection method: clinical testing. Allele origin: germline.
Comment: In summary, the available evidence is currently insufficient to determine the role of this variant in disease. Therefore, it has been classified as a Variant of Uncertain Significance. Algorithms developed to predict the effect of missense changes on protein structure and function are either unavailable or do not agree on the potential impact of this missense change (SIFT: "Deleterious"; PolyPhen-2: "Not Available"; Align-GVGD: "Class C0"). This variant has not been reported in the literature in individuals affected with CLTC-related conditions. This variant is present in population databases (rs772988240, gnomAD 0.004%). This sequence change replaces alanine, which is neutral and non-polar, with threonine, which is neutral and polar, at codon 1263 of the CLTC protein (p.Ala1263Thr).